The following is an entry in ClinVar:

ClinVar aggregate classification (germline): Benign. Review status: criteria provided, multiple submitters, no conflicts (2 of 4 stars). 6 submissions from 5 submitters: Benign (5). 1 of the submissions does not count toward it. Last evaluated 2024-11-28.

Conditions:
Hydrocephalus, congenital, 3, with brain anomalies. Also called: HYDROCEPHALUS, NONSYNDROMIC, AUTOSOMAL RECESSIVE 3. Identifiers: MedGen C4747885, MONDO:0054794, OMIM 617967.
Cerebellar ataxia, impaired intellectual development, and dysequilibrium syndrome 2. Also called: CEREBELLAR ATAXIA, MENTAL RETARDATION, AND DYSEQUILIBRIUM SYNDROME 2; CEREBELLAR ATAXIA AND MENTAL RETARDATION WITH OR WITHOUT QUADRUPEDAL LOCOMOTION 2; Cerebellar ataxia, intellectual disability, and dysequilibrium syndrome 2. Identifiers: Orphanet 1766, MedGen C2750234, MONDO:0012430, OMIM 610185.

Allele frequency attached by ClinVar (database versions not stated): gnomAD 0.21861 and 0.22323; ESP Exome Variant Server 0.22054; TOPMed 0.22081; gnomAD exomes 0.22858 and 0.24579; 1000 Genomes Project 30x 0.24344; 1000 Genomes Project 0.24601; ExAC 0.27866.
gnomAD v4.1: 353,950 of 1,550,356 alleles (23%); highest among the groups gnomAD compares: South Asian, 38%; 42,063 homozygotes.

Submissions (6):

Blueprint Genetics
Classification: Benign. Last evaluated: 2024-11-28. Review status: criteria provided, single submitter. Criteria: ACMG Guidelines, 2015. Collection method: clinical testing. Allele origin: germline.

Mayo Clinic Laboratories, Mayo Clinic
Classification: Benign. Last evaluated: 2022-03-24. Review status: criteria provided, single submitter. Criteria: ACMG Guidelines, 2015. Collection method: clinical testing. Allele origin: germline. Observed: 172 variant alleles.

Genome-Nilou Lab
Classification: Benign for Cerebellar ataxia, impaired intellectual development, and dysequilibrium syndrome 2. Last evaluated: 2021-07-14. Review status: criteria provided, single submitter. Criteria: ACMG Guidelines, 2015. Collection method: clinical testing. Allele origin: germline. Affected: no.

Genome-Nilou Lab
Classification: Benign for Hydrocephalus, congenital, 3, with brain anomalies. Last evaluated: 2021-07-14. Review status: criteria provided, single submitter. Criteria: ACMG Guidelines, 2015. Collection method: clinical testing. Allele origin: germline. Affected: no.

Breakthrough Genomics
Classification: Benign. Review status: criteria provided, single submitter. Criteria: ACMG Guidelines, 2015. Collection method: not provided. Allele origin: germline. Inheritance: Autosomal recessive inheritance. Affected: yes.

Genetic Services Laboratory, University of Chicago
Classification: Likely benign for AllHighlyPenetrant. Review status: no assertion criteria provided. Collection method: clinical testing. Allele origin: germline. Inheritance: Autosomal recessive inheritance. Not counted in ClinVar's aggregate classification.
Comment: Likely benign based on allele frequency in 1000 Genomes Project or ESP global frequency and its presence in a patient with a rare or unrelated disease phenotype. NOT Sanger confirmed.

NM_001163809.2(WDR81):c.2739G>A (p.Leu913=)

Gene: WDR81 (WD repeat domain 81; plus strand). Cytogenetic location: 17p13.3.
Variant type: single nucleotide variant.
Coding change: c.2739G>A on transcript NM_001163809.2 (MANE Select); coding-DNA position 2739, G replaced by A.
Protein change: p.Leu913=; no amino-acid change (leucine 913 retained).
Molecular consequence: synonymous variant. On other transcripts: intron variant (3).
Genome position (GRCh38, 1-based): chr17:1,727,698, G>A. VCF-style: chr17-1727698-G-A. GRCh37 (hg19) VCF-style: chr17-1630992-G-A.
Other names: p.Leu913=; c.-123-292G>A (NM_152348.4); c.59-2682G>A (NM_001163673.2); c.-14-2682G>A (NM_001163811.2).
Identifiers: ClinVar variation 130737 (VCV000130737.12), dbSNP rs9912287, ClinGen allele CA155979.